The following is an entry in ClinVar:

ClinVar aggregate classification (germline): Pathogenic/Likely pathogenic. Review status: criteria provided, multiple submitters, no conflicts (2 of 4 stars). 3 submissions from 3 submitters: Pathogenic (1); Likely pathogenic (2). Last evaluated 2025-05-30.

Conditions:
Peroxisome biogenesis disorder. Identifiers: Orphanet 79189, MedGen C1832200, MONDO:0019234. Disease mechanism: loss of function.
Zellweger spectrum disorders (ZS). Also called: Zellweger Spectrum Disorder; Zellweger Spectrum; Zellweger syndrome; Zellweger Spectrum Disorder (ZSD). Identifiers: Orphanet 912, MedGen C0043459, MONDO:0019609.

Allele frequency attached by ClinVar (database versions not stated): gnomAD exomes below 0.00001.
gnomAD v4.1: 1 of 1,612,720 alleles (0.000062%); highest among the groups gnomAD compares: Admixed American, 0.0017%; no homozygotes.

Submissions (3):

Natera, Inc.
Classification: Likely pathogenic for Zellweger syndrome. Last evaluated: 2025-05-30. Review status: criteria provided, single submitter. Criteria: Natera Variant Classification Schema (03/2026). Collection method: clinical testing. Allele origin: germline.
Comment: The c.1360C>T variant in PEX6 is a nonsense variant predicted to introduce a stop codon at amino acid 454. This variant is expected to result in nonsense mediated decay, truncation, or a dysfunctional protein product. This variant is rare in the general population with a frequency below the threshold expected for the associated phenotype(s). Given the available evidence, this variant is classified as Likely Pathogenic.

Labcorp Genetics (formerly Invitae), Labcorp
Classification: Pathogenic for Peroxisome biogenesis disorder. Last evaluated: 2024-01-22. Review status: criteria provided, single submitter. Criteria: Invitae Variant Classification Sherloc (09022015). Collection method: clinical testing. Allele origin: germline.
Comment: This sequence change creates a premature translational stop signal (p.Gln454*) in the PEX6 gene. It is expected to result in an absent or disrupted protein product. Loss-of-function variants in PEX6 are known to be pathogenic (PMID: 10408779, 21031596, 31831025). This variant is not present in population databases (gnomAD no frequency). This variant has not been reported in the literature in individuals affected with PEX6-related conditions. ClinVar contains an entry for this variant (Variation ID: 495795). Algorithms developed to predict the effect of sequence changes on RNA splicing suggest that this variant may disrupt the consensus splice site. For these reasons, this variant has been classified as Pathogenic.

Women's Health and Genetics/Laboratory Corporation of America, LabCorp
Classification: Likely pathogenic for Peroxisome biogenesis disorder. Last evaluated: 2016-04-29. Review status: criteria provided, single submitter. Criteria: LabCorp Variant Classification Summary - May 2015. Collection method: clinical testing. Allele origin: germline.
Comment: Variant summary: The c.1360C>T variant results in a premature termination codon, predicted to cause a truncated or absent PEX6 protein, which is a commonly known mechanism for disease. Mutation taster predicts damaging outcome for this variant. This variant is not found in 121000 control chromosomes. The variant of interest has not, to our knowledge, been reported in affected individuals via publications and/or reputable databases/clinical laboratories; nor evaluated for functional impact by in vivo/vitro studies. Taken together, this variant was classified as likely pathogenic until more evidence becomes available.

Literature cited by the submitters: PubMed 10408779 (cited by Labcorp Genetics (formerly Invitae), Labcorp); PubMed 21031596 (cited by Labcorp Genetics (formerly Invitae), Labcorp); PubMed 31831025 (cited by Labcorp Genetics (formerly Invitae), Labcorp).

NM_000287.4(PEX6):c.1360C>T (p.Gln454Ter)

Gene: PEX6 (peroxisomal biogenesis factor 6; minus strand). Cytogenetic location: 6p21.1.
Variant type: single nucleotide variant.
Coding change: c.1360C>T on transcript NM_000287.4 (MANE Select); coding-DNA position 1360, C replaced by T.
Protein change: p.Gln454Ter; replaces glutamine 454 with a stop codon.
Molecular consequence: nonsense. On other transcripts: non-coding transcript variant (1).
Genome position (GRCh38, 1-based): chr6:42,969,675, G>A on the plus strand (C>T on the coding strand, the complement: PEX6 is on the minus strand). VCF-style: chr6-42969675-G-A. GRCh37 (hg19) VCF-style: chr6-42937413-G-A.
Other names: c.1096C>T, p.Gln366Ter (NM_001316313.2); short protein forms Q454*, Q366*.
Identifiers: ClinVar variation 495795 (VCV000495795.10), dbSNP rs1554127491, ClinGen allele CA364155563.
Genomic context (GRCh38, chr6:42,969,675, plus strand): 5'-AGGGATGTTCTAAGCAGGCTTTTCTCACACCCTGGGGTGATGACCTCACTCACCCTGGCT[G>A]GAGGCGAGGCTTCAGGACAGCACAGAGTTCAGACACCAAGGCCTCCAGGCCTGGAGGAGA-3'